The following is an entry in ClinVar:

NM_003718.5(CDK13):c.4476A>C (p.Gln1492His)

Gene: CDK13 (cyclin dependent kinase 13; plus strand). Cytogenetic location: 7p14.1.
Variant type: single nucleotide variant.
Coding change: c.4476A>C on transcript NM_003718.5 (MANE Select); coding-DNA position 4476, A replaced by C.
Protein change: p.Gln1492His; replaces glutamine 1492 with histidine.
Molecular consequence: missense variant.
Genome position (GRCh38, 1-based): chr7:40,094,917, A>C. VCF-style: chr7-40094917-A-C. GRCh37 (hg19) VCF-style: chr7-40134516-A-C.
Other names: c.4296A>C, p.Gln1432His (NM_031267.4); short protein forms Q1492H, Q1432H.
Identifiers: ClinVar variation 2041616 (VCV002041616.4), dbSNP rs1470966498, ClinGen allele CA367297268.

ClinVar aggregate classification (germline): Uncertain significance (1 of 4 stars; one submission).

Allele frequency attached by ClinVar (database versions not stated): TOPMed 0.00001.
gnomAD v4.1: 1 of 1,504,798 alleles (0.000066%); highest among the groups gnomAD compares: African/African-American, 0.0014%; no homozygotes.

Submission:

Labcorp Genetics (formerly Invitae), Labcorp
Classification: Uncertain significance. Last evaluated: 2022-02-22. Review status: criteria provided, single submitter. Criteria: Invitae Variant Classification Sherloc (09022015). Collection method: clinical testing. Allele origin: germline.
Comment: This sequence change replaces glutamine, which is neutral and polar, with histidine, which is basic and polar, at codon 1492 of the CDK13 protein (p.Gln1492His). This variant is not present in population databases (gnomAD no frequency). This variant has not been reported in the literature in individuals affected with CDK13-related conditions. Algorithms developed to predict the effect of missense changes on protein structure and function are either unavailable or do not agree on the potential impact of this missense change (SIFT: "Deleterious"; PolyPhen-2: "Probably Damaging"; Align-GVGD: "Class C0"). In summary, the available evidence is currently insufficient to determine the role of this variant in disease. Therefore, it has been classified as a Variant of Uncertain Significance.